The following is an entry in ClinVar:

NM_003072.5(SMARCA4):c.2455G>A (p.Ala819Thr)

Gene: SMARCA4 (SWI/SNF related BAF chromatin remodeling complex subunit ATPase 4; plus strand). Cytogenetic location: 19p13.2.
Variant type: single nucleotide variant.
Coding change: c.2455G>A on transcript NM_003072.5 (MANE Select); coding-DNA position 2455, G replaced by A.
Protein change: p.Ala819Thr; replaces alanine 819 with threonine.
Molecular consequence: missense variant. On other transcripts: non-coding transcript variant (1).
Genome position (GRCh38, 1-based): chr19:11,018,973, G>A. VCF-style: chr19-11018973-G-A. GRCh37 (hg19) VCF-style: chr19-11129649-G-A.
Other names: c.2455G>A, p.Ala819Thr (NM_001128844.3, NM_001128845.2, NM_001128846.2 and 5 more transcripts); short protein forms A819T.
Identifiers: ClinVar variation 484839 (VCV000484839.14), dbSNP rs767743765, ClinGen allele CA9204126.
Genomic context (GRCh38, chr19:11,018,973, plus strand): 5'-TGATGAGAGACCGGCACTTGACTCTCATTTCCTTGTTCCATCAGAACGCTGTCCAACTGG[G>A]CGTACGAGTTTGACAAGTGGGCCCCCTCCGTGGTGAAGGTGTCTTACAAGGTAGGTCACA-3'
Protein context (NP_003063.2, residues 809-829): IVPLSTLSNW[Ala819Thr]YEFDKWAPSV

ClinVar aggregate classification (germline): Conflicting classifications of pathogenicity. Review status: criteria provided, conflicting classifications (1 of 4 stars). 3 submissions from 3 submitters: Uncertain significance (2); Likely benign (1). Last evaluated 2024-09-08.

Conditions:
Rhabdoid tumor predisposition syndrome 2 (RTPS2). Identifiers: Orphanet 231108, Orphanet 69077, MedGen C2750074, MONDO:0013224, OMIM 613325.
Intellectual disability, autosomal dominant 16 (CSS4). Also called: COFFIN-SIRIS SYNDROME 4. Identifiers: Orphanet 1465, MedGen C3553249, MONDO:0013821, OMIM 614609.
Hereditary cancer-predisposing syndrome. Also called: Neoplastic Syndromes, Hereditary; Tumor predisposition; Hereditary Cancer Syndrome; Hereditary neoplastic syndrome. Identifiers: Orphanet 140162, MedGen C0027672, MeSH D009386, MONDO:0015356.

Allele frequency attached by ClinVar (database versions not stated): gnomAD exomes 0.00001; ExAC 0.00002.
gnomAD v4.1: 5 of 1,614,072 alleles (0.00031%); highest among the groups gnomAD compares: Middle Eastern, 0.033%; no homozygotes.

Submissions (3):

Labcorp Genetics (formerly Invitae), Labcorp
Classification: Uncertain significance for Rhabdoid tumor predisposition syndrome 2. Last evaluated: 2024-09-08. Review status: criteria provided, single submitter. Criteria: Invitae Variant Classification Sherloc (09022015). Collection method: clinical testing. Allele origin: germline.
Comment: This sequence change replaces alanine, which is neutral and non-polar, with threonine, which is neutral and polar, at codon 819 of the SMARCA4 protein (p.Ala819Thr). The frequency data for this variant in the population databases is considered unreliable, as metrics indicate poor data quality at this position in the gnomAD database. This variant has not been reported in the literature in individuals affected with SMARCA4-related conditions. ClinVar contains an entry for this variant (Variation ID: 484839). Invitae Evidence Modeling of protein sequence and biophysical properties (such as structural, functional, and spatial information, amino acid conservation, physicochemical variation, residue mobility, and thermodynamic stability) indicates that this missense variant is not expected to disrupt SMARCA4 protein function with a negative predictive value of 95%. In summary, the available evidence is currently insufficient to determine the role of this variant in disease. Therefore, it has been classified as a Variant of Uncertain Significance.

Ambry Genetics
Classification: Likely benign for Hereditary cancer-predisposing syndrome. Last evaluated: 2023-04-24. Review status: criteria provided, single submitter. Criteria: Ambry Variant Classification Scheme 2023. Collection method: clinical testing. Allele origin: germline.

Genome-Nilou Lab
Classification: Uncertain significance for Intellectual disability, autosomal dominant 16. Last evaluated: 2021-07-15. Review status: criteria provided, single submitter. Criteria: ACMG Guidelines, 2015. Collection method: clinical testing. Allele origin: germline. Affected: no.